The following is an entry in ClinVar:

NM_030665.4(RAI1):c.586G>A (p.Asp196Asn)

Gene: RAI1 (retinoic acid induced 1; plus strand). Cytogenetic location: 17p11.2.
Variant type: single nucleotide variant.
Coding change: c.586G>A on transcript NM_030665.4 (MANE Select); coding-DNA position 586, G replaced by A.
Protein change: p.Asp196Asn; replaces aspartic acid 196 with asparagine.
Molecular consequence: missense variant.
Genome position (GRCh38, 1-based): chr17:17,793,534, G>A. VCF-style: chr17-17793534-G-A. GRCh37 (hg19) VCF-style: chr17-17696848-G-A.
Other names: short protein forms D196N.
Identifiers: ClinVar variation 588858 (VCV000588858.17), dbSNP rs775499267, ClinGen allele CA8418157.
Genomic context (GRCh38, chr17:17,793,534, plus strand): 5'-CCACCGCCGCCCCAGCAGCCCCTGGCATACCCCAAGCTCCAAAGGCAGAAGCTGCAGAAC[G>A]ACATTGCCTCCCCTCTGCCCTTCCCCCAGGGTACCCACTTTCCTCAGCATTCCCAGTCCT-3'
Protein context (NP_109590.3, residues 186-206): PKLQRQKLQN[Asp196Asn]IASPLPFPQG

ClinVar aggregate classification (germline): Benign. Review status: criteria provided, multiple submitters, no conflicts (2 of 4 stars). 4 submissions from 4 submitters: Benign (3). 1 of the submissions does not count toward it. Last evaluated 2025-10-17.

Conditions:
RAI1-related disorder. Also called: RAI1-related condition.
Inborn genetic diseases. Identifiers: MedGen C0950123, MeSH D030342.

Allele frequency attached by ClinVar (database versions not stated): ExAC 0.00006; gnomAD 0.00005 and 0.00001; TOPMed 0.00011; gnomAD exomes 0.00010.
gnomAD v4.1: 49 of 1,613,856 alleles (0.003%); highest among the groups gnomAD compares: Admixed American, 0.042%; no homozygotes.

Submissions (4):

Labcorp Genetics (formerly Invitae), Labcorp
Classification: Benign. Last evaluated: 2025-10-17. Review status: criteria provided, single submitter. Criteria: Invitae Variant Classification Sherloc (09022015). Collection method: clinical testing. Allele origin: germline.

GeneDx
Classification: Benign. Last evaluated: 2020-02-04. Review status: criteria provided, single submitter. Criteria: GeneDx Variant Classification Process June 2021. Collection method: clinical testing. Allele origin: germline. Affected: yes.

Ambry Genetics
Classification: Benign for Inborn genetic diseases. Last evaluated: 2019-01-26. Review status: criteria provided, single submitter. Criteria: Ambry Variant Classification Scheme 2023. Collection method: clinical testing. Allele origin: germline.

PreventionGenetics, part of Exact Sciences
Classification: Likely benign for RAI1-related condition. Last evaluated: 2020-02-06. Review status: no assertion criteria provided. Collection method: clinical testing. Allele origin: germline. Not counted in ClinVar's aggregate classification.
Comment: This variant is classified as likely benign based on ACMG/AMP sequence variant interpretation guidelines (Richards et al. 2015 PMID: 25741868, with internal and published modifications).